The following is an entry in ClinVar:

NM_000444.6(PHEX):c.2068C>A (p.His690Asn)

Genes: PHEX (phosphate regulating endopeptidase X-linked; plus strand), PTCHD1-AS (PTCHD1 and PHEX antisense RNA; minus strand). Cytogenetic location: Xp22.11.
Variant type: single nucleotide variant.
Coding change: c.2068C>A on transcript NM_000444.6 (MANE Select); coding-DNA position 2068, C replaced by A.
Protein change: p.His690Asn; replaces histidine 690 with asparagine.
Molecular consequence: missense variant. On other transcripts: non-coding transcript variant (1).
Genome position (GRCh38, 1-based): chrX:22,227,609, C>A. VCF-style: chrX-22227609-C-A. GRCh37 (hg19) VCF-style: chrX-22245726-C-A.
Other names: c.2068C>A, p.His690Asn (NM_001282754.2); short protein forms H690N.
Identifiers: ClinVar variation 914540 (VCV000914540.9), dbSNP rs200733697, ClinGen allele CA10368426.
Genomic context (GRCh38, chrX:22,227,609, plus strand): 5'-GAGCCTCTTCTACCAGGCATCACATTCACCAACAACCAGCTCTTCTTCCTGAGTTATGCT[C>A]ATGTGAGTAGACTGAGGAAGGGGCATCAGGGATGAGATGCAGGACTTGAGTTTGCTCCCT-3'
Protein context (NP_000435.3, residues 680-700): NNQLFFLSYA[His690Asn]VRCNSYRPEA

ClinVar aggregate classification (germline): Conflicting classifications of pathogenicity. Review status: criteria provided, conflicting classifications (1 of 4 stars). 3 submissions from 3 submitters: Uncertain significance (1); Benign (1); Likely benign (1). Last evaluated 2025-12-24.

Conditions:
Inborn genetic diseases. Identifiers: MedGen C0950123, MeSH D030342.
Familial X-linked hypophosphatemic vitamin D refractory rickets (XLHRD). Also called: HYPOPHOSPHATEMIC VITAMIN D-RESISTANT RICKETS; X-Linked Hypophosphatemia; Hypophosphatemia, vitamin D-resistant rickets; Vitamin D-resistant rickets, X-linked; Hypophosphatemic Rickets, X-Linked Dominant. Identifiers: Orphanet 89936, MedGen C0733682, MONDO:0010619, OMIM 307800.

Allele frequency attached by ClinVar (database versions not stated): ESP Exome Variant Server 0.00009; gnomAD 0.00014 and 0.00017; gnomAD exomes 0.00017 and 0.00040; TOPMed 0.00023; ExAC 0.00029.
gnomAD v4.1: 207 of 1,163,096 alleles (0.018%); highest among the groups gnomAD compares: Non-Finnish European, 0.0023%; no homozygotes.

Submissions (3):

Labcorp Genetics (formerly Invitae), Labcorp
Classification: Benign. Last evaluated: 2025-12-24. Review status: criteria provided, single submitter. Criteria: Invitae Variant Classification Sherloc (09022015). Collection method: clinical testing. Allele origin: germline.

Ambry Genetics
Classification: Uncertain significance for Inborn genetic diseases. Last evaluated: 2021-06-11. Review status: criteria provided, single submitter. Criteria: Ambry Variant Classification Scheme 2023. Collection method: clinical testing. Allele origin: germline.

Illumina Laboratory Services, Illumina
Classification: Likely benign for Familial X-linked hypophosphatemic vitamin D refractory rickets. Last evaluated: 2018-01-13. Review status: criteria provided, single submitter. Criteria: ICSL Variant Classification Criteria 13 December 2019. Collection method: clinical testing. Allele origin: germline.
Comment: This variant was observed in the ICSL laboratory as part of a predisposition screen in an ostensibly healthy population. It had not been previously curated by ICSL or reported in the Human Gene Mutation Database (HGMD: prior to June 1st, 2018), and was therefore a candidate for classification through an automated scoring system. Utilizing variant allele frequency, disease prevalence and penetrance estimates, and inheritance mode, an automated score was calculated to assess if this variant is too frequent to cause the disease. Based on the score and internal cut-off values, a variant classified as likely benign is not then subjected to further curation. The score for this variant resulted in a classification of likely benign for this disease.